The following is an entry in ClinVar:

NM_001184819.2(GNL3L):c.283C>T (p.Arg95Cys)

Gene: GNL3L (G protein nucleolar 3 like; plus strand). Cytogenetic location: Xp11.22.
Variant type: single nucleotide variant.
Coding change: c.283C>T on transcript NM_001184819.2 (MANE Select); coding-DNA position 283, C replaced by T.
Protein change: p.Arg95Cys; replaces arginine 95 with cysteine.
Molecular consequence: missense variant.
Genome position (GRCh38, 1-based): chrX:54,541,366, C>T. VCF-style: chrX-54541366-C-T. GRCh37 (hg19) VCF-style: chrX-54567799-C-T.
Other names: c.283C>T, p.Arg95Cys (NM_019067.6); short protein forms R95C.
Identifiers: ClinVar variation 3390271 (VCV003390271.14).

ClinVar aggregate classification (germline): Likely benign (1 of 4 stars; one submission).

gnomAD v4.1: 33 of 1,190,549 alleles (0.0028%); highest among the groups gnomAD compares: African/African-American, 0.039%; no homozygotes.

Submission:

CeGaT Center for Human Genetics Tuebingen
Classification: Likely benign. Last evaluated: 2024-11-01. Review status: criteria provided, single submitter. Criteria: CeGaT Center For Human Genetics Tuebingen Variant Classification Criteria Version 2. Collection method: clinical testing. Allele origin: germline. Affected: yes. Observed: 1 variant allele.
Comment: GNL3L: BS2